The following is an entry in ClinVar:

ClinVar aggregate classification (germline): Likely benign (0 of 4 stars; one submission).

Conditions:
TGIF1-related disorder. Also called: TGIF1-related condition.

Allele frequency attached by ClinVar (database versions not stated): 1000 Genomes Project 30x 0.00078; 1000 Genomes Project 0.00080.
gnomAD v4.1: 1,819 of 1,110,388 alleles (0.16%); highest among the groups gnomAD compares: Non-Finnish European, 0.19%; no homozygotes.

Submission:

PreventionGenetics, part of Exact Sciences
Classification: Likely benign for TGIF1-related condition. Last evaluated: 2023-04-07. Review status: no assertion criteria provided. Collection method: clinical testing. Allele origin: germline.
Comment: This variant is classified as likely benign based on ACMG/AMP sequence variant interpretation guidelines (Richards et al. 2015 PMID: 25741868, with internal and published modifications).

NM_003244.4(TGIF1):c.16+1127G>C

Gene: TGIF1 (TGFB induced factor homeobox 1; plus strand). Cytogenetic location: 18p11.31.
Variant type: single nucleotide variant.
Coding change: c.16+1127G>C on transcript NM_003244.4 (MANE Select); 1127 bases into the intron after coding-DNA position 16, G replaced by C.
Molecular consequence: intron variant. On other transcripts: 5 prime UTR variant (3).
Genome position (GRCh38, 1-based): chr18:3,451,632, G>C. VCF-style: chr18-3451632-G-C. GRCh37 (hg19) VCF-style: chr18-3451630-G-C.
Other names: c.-184G>C (NM_001374397.1); c.-795G>C (NM_170695.5); c.-188G>C (NM_173210.4); c.-44-4722G>C (NM_174886.3, NM_001278686.3); c.58+3835G>C (NM_173207.4); c.-45+3093G>C (NM_001374396.1); c.25+1976G>C (NM_001278682.2); c.16+1127G>C (NM_173208.3, NM_001278684.2); and 1 more.
Identifiers: ClinVar variation 3047528 (VCV003047528.2), dbSNP rs539858187, ClinGen allele CA295563245.
Genomic context (GRCh38, chr18:3,451,632, plus strand): 5'-CCGCCTGGAGTTTGGAACTCCACATTCTTTCAGACCCGGCCCGCTGCGGGGCGTTCCTGG[G>C]GGGTAGCCTCAAGGCCAGCGGGGTTCCTTCGGCTGCGTTTCTGTGGGAGGCCCTGAAACG-3'